The following is an entry in ClinVar:

ClinVar aggregate classification (germline): Likely benign. Review status: criteria provided, single submitter (1 of 4 stars). 2 submissions from 2 submitters: Likely benign (1). 1 of the submissions does not count toward it. Last evaluated 2026-04-01.

Conditions:
CBLB-related disorder. Also called: CBLB-related condition.

Allele frequency attached by ClinVar (database versions not stated): ESP Exome Variant Server 0.00015; gnomAD 0.00043; TOPMed 0.00043; 1000 Genomes Project 30x 0.00047; gnomAD exomes 0.00047; ExAC 0.00056; 1000 Genomes Project 0.00060.
gnomAD v4.1: 763 of 1,613,530 alleles (0.047%); highest among the groups gnomAD compares: Middle Eastern, 0.28%; 3 homozygotes.

Submissions (2):

CeGaT Center for Human Genetics Tuebingen
Classification: Likely benign. Last evaluated: 2026-04-01. Review status: criteria provided, single submitter. Criteria: CeGaT Center For Human Genetics Tuebingen Variant Classification Criteria Version 2. Collection method: clinical testing. Allele origin: germline. Affected: yes. Observed: 3 variant alleles.
Comment: CBLB: BP4, BP7

PreventionGenetics, part of Exact Sciences
Classification: Likely benign for CBLB-related condition. Last evaluated: 2022-09-22. Review status: no assertion criteria provided. Collection method: clinical testing. Allele origin: germline. Not counted in ClinVar's aggregate classification.
Comment: This variant is classified as likely benign based on ACMG/AMP sequence variant interpretation guidelines (Richards et al. 2015 PMID: 25741868, with internal and published modifications).

NM_170662.5(CBLB):c.594A>G (p.Arg198=)

Gene: CBLB (Cbl proto-oncogene B; minus strand). Cytogenetic location: 3q13.11.
Variant type: single nucleotide variant.
Coding change: c.594A>G on transcript NM_170662.5 (MANE Select); coding-DNA position 594, A replaced by G.
Protein change: p.Arg198=; no amino-acid change (arginine 198 retained).
Molecular consequence: synonymous variant. On other transcripts: 5 prime UTR variant (5), non-coding transcript variant (7), intron variant (3).
Genome position (GRCh38, 1-based): chr3:105,751,591, T>C on the plus strand (A>G on the coding strand, the complement: CBLB is on the minus strand). VCF-style: chr3-105751591-T-C. GRCh37 (hg19) VCF-style: chr3-105470435-T-C.
Other names: c.594A>G, p.Arg198= (NM_001321793.2, NM_001321794.2, NM_001321795.2 and 4 more transcripts); c.447A>G, p.Arg149= (NM_001321796.2, NM_001321799.2); c.-331A>G (NM_001321807.2, NM_001321808.2, NM_001321813.1); c.-903A>G (NM_001321820.2); c.-786A>G (NM_001321822.2); c.-57-5553A>G (NM_001321806.2, NM_001321816.2, NM_001321811.2); c.678A>G, p.Arg226= (NM_001321786.1, NM_001321789.1); c.660A>G, p.Arg220= (NM_001321790.2).
Identifiers: ClinVar variation 2654018 (VCV002654018.25), dbSNP rs138009374, ClinGen allele CA2524974.